The following is an entry in ClinVar:

NM_004972.4(JAK2):c.2456A>C (p.Asn819Thr)

Genes: INSL6 (insulin like 6; minus strand), JAK2 (Janus kinase 2; plus strand). Cytogenetic location: 9p24.1.
Variant type: single nucleotide variant.
Coding change: c.2456A>C on transcript NM_004972.4 (MANE Select); coding-DNA position 2456, A replaced by C.
Protein change: p.Asn819Thr; replaces asparagine 819 with threonine.
Molecular consequence: missense variant. On other transcripts: non-coding transcript variant (2).
Genome position (GRCh38, 1-based): chr9:5,081,746, A>C. VCF-style: chr9-5081746-A-C. GRCh37 (hg19) VCF-style: chr9-5081746-A-C.
Other names: c.2456A>C, p.Asn819Thr (NM_001322194.2, NM_001322195.2, NM_001322196.2); c.1241A>C, p.Asn414Thr (NM_001322198.2, NM_001322199.2); c.2009A>C, p.Asn670Thr (NM_001322204.2); short protein forms N414T, N670T, N819T.
Identifiers: ClinVar variation 4812029 (VCV004812029.1).

ClinVar aggregate classification (germline): Uncertain significance (1 of 4 stars; one submission).

Submission:

Labcorp Genetics (formerly Invitae), Labcorp
Classification: Uncertain significance. Last evaluated: 2025-10-21. Review status: criteria provided, single submitter. Criteria: Invitae Variant Classification Sherloc (09022015). Collection method: clinical testing. Allele origin: germline.
Comment: This sequence change replaces asparagine, which is neutral and polar, with threonine, which is neutral and polar, at codon 819 of the JAK2 protein (p.Asn819Thr). This variant is not present in population databases (gnomAD no frequency). This variant has not been reported in the literature in individuals affected with JAK2-related conditions. Invitae Evidence Modeling of protein sequence and biophysical properties (such as structural, functional, and spatial information, amino acid conservation, physicochemical variation, residue mobility, and thermodynamic stability) indicates that this missense variant is not expected to disrupt JAK2 protein function with a negative predictive value of 95%. In summary, the available evidence is currently insufficient to determine the role of this variant in disease. Therefore, it has been classified as a Variant of Uncertain Significance.